The following is an entry in ClinVar:

ClinVar aggregate classification (germline): Uncertain significance. Review status: criteria provided, single submitter (1 of 4 stars). 2 submissions from 2 submitters: Uncertain significance (1). 1 of the submissions does not count toward it. Last evaluated 2017-03-16.

Conditions:
Galactosemia. Also called: Galactose intolerance. Identifiers: Orphanet 352, MedGen C0016952, MONDO:0018116, HP:0004919. Disease mechanism: loss of function.

Submissions (2):

Women's Health and Genetics/Laboratory Corporation of America, LabCorp
Classification: Uncertain significance. Last evaluated: 2017-03-16. Review status: criteria provided, single submitter. Criteria: LabCorp Variant Classification Summary - May 2015. Collection method: clinical testing. Allele origin: germline.
Comment: Variant summary: The GALT c.788_790dupGGC (p.Arg263dup) variant involves the insertion of three nucleotides resulting in an in-frame insertion of Arginine. One in silico tool predicts a benign outcome for this variant. This variant is absent in 121334 control chromosomes. The variant of interest has not, to our knowledge, been reported in affected individuals via publications and/or reputable databases/clinical diagnostic laboratories; nor evaluated for functional impact by in vivo/vitro studies. Because of the absence of clinical information and the lack of functional studies, the variant is classified as a variant of uncertain significance (VUS) until additional information becomes available.

Natera, Inc.
Classification: Uncertain significance for Galactosemia. Last evaluated: 2020-09-25. Review status: no assertion criteria provided. Collection method: clinical testing. Allele origin: germline. Not counted in ClinVar's aggregate classification.

NM_000155.4(GALT):c.785GGC[3] (p.Arg263dup)

Gene: GALT (galactose-1-phosphate uridylyltransferase; plus strand). Cytogenetic location: 9p13.3.
Variant type: Microsatellite.
Coding change: c.785GGC[3] on transcript NM_000155.4 (MANE Select); three copies in a row of the 3-base unit GGC starting at c.785; the reference has two copies in a row; one copy, 3 bases duplicated; also written c.788_790dup.
Protein change: p.Arg263dup; duplicates arginine 263.
Molecular consequence: inframe insertion.
Genome position (GRCh38, 1-based): chr9:34,648,862-34,648,864, GGC duplicated; duplicating any 3 consecutive bases within chr9:34,648,857-34,648,864 gives the same sequence; the position shown is the placement nearest the transcript's 3' end. VCF-style (leftmost placement, unchanged base first): chr9-34648856-T-TGCG. GRCh37 (hg19) VCF-style: chr9-34648853-T-TGCG.
Other names: c.788_790dup (NM_000155.4); c.458GGC[3], p.Arg154dup (NM_001258332.2).
Identifiers: ClinVar variation 495681 (VCV000495681.2), dbSNP rs1554709431, ClinGen allele CA658683543.